The following is an entry in ClinVar:

ClinVar aggregate classification (germline): Pathogenic/Likely pathogenic. Review status: criteria provided, multiple submitters, no conflicts (2 of 4 stars). 5 submissions from 5 submitters: Pathogenic (2); Likely pathogenic (1). 2 of the submissions do not count toward it. Last evaluated 2025-10-29.

Conditions:
ALPK3-related disorder. Also called: ALPK3-related condition.
Cardiovascular phenotype. Identifiers: MedGen CN230736.
Cardiomyopathy (CMYO). Also called: Cardiomyopathies. Identifiers: Orphanet 167848, MedGen C0878544, MONDO:0004994, HP:0001638. Inheritance: Various modes of inheritance.

Submissions (5):

Labcorp Genetics (formerly Invitae), Labcorp
Classification: Pathogenic. Last evaluated: 2025-10-29. Review status: criteria provided, single submitter. Criteria: Invitae Variant Classification Sherloc (09022015). Collection method: clinical testing. Allele origin: germline.
Comment: This sequence change creates a premature translational stop signal (p.Gln675Serfs*30) in the ALPK3 gene. It is expected to result in an absent or disrupted protein product. Loss-of-function variants in ALPK3 are known to be pathogenic (PMID: 21441111, 26846950, 27106955, 34263907). This variant is present in population databases (rs769139957, gnomAD 0.006%). This premature translational stop signal has been observed in individual(s) with ALPK3-related conditions (PMID: 28630369, 33191771). ClinVar contains an entry for this variant (Variation ID: 427757). For these reasons, this variant has been classified as Pathogenic.

Ambry Genetics
Classification: Pathogenic for Cardiovascular phenotype. Last evaluated: 2025-09-11. Review status: criteria provided, single submitter. Criteria: Ambry Variant Classification Scheme 2023. Collection method: clinical testing. Allele origin: germline.
Comment: The c.2023delC pathogenic mutation, located in coding exon 5 of the ALPK3 gene, results from a deletion of one nucleotide at nucleotide position 2023, causing a translational frameshift with a predicted alternate stop codon (p.Q675Sfs*30). This alteration has been reported as homozygous in two individuals with cardiomyopathy and as compound heterozygous with a missense alteration in ALPK3 in another individual with cardiomyopathy (&Ccedil;alayan AO et al. Cold Spring Harb Mol Case Stud, 2017 Sep;3:[ePub ahead of print]; Herkert JC et al. Am Heart J, 2020 07;225:108-119). In addition to the clinical data presented in the literature, this alteration is expected to result in loss of function by premature protein truncation or nonsense-mediated mRNA decay. As such, this alteration is interpreted as a disease-causing mutation.

Blueprint Genetics
Classification: Likely pathogenic for ALPK3-related disorders. Last evaluated: 2021-06-03. Review status: criteria provided, single submitter. Criteria: ACMG Guidelines, 2015. Collection method: clinical testing. Allele origin: germline. Affected: yes. Observed: 2 variant alleles.

PreventionGenetics, part of Exact Sciences
Classification: Pathogenic for ALPK3-related condition. Last evaluated: 2024-08-26. Review status: no assertion criteria provided. Collection method: clinical testing. Allele origin: germline. Not counted in ClinVar's aggregate classification.
Comment: The ALPK3 c.2023delC variant is predicted to result in a frameshift and premature protein termination (p.Gln675Serfs*30). This variant has been reported in the homozygous and compound heterozygous states in individuals with early-onset cardiomyopathy (Table II and Table SI, Herkert et al. 2020. PubMed ID: 32480058; Çağlayan et al. 2017. PubMed ID: 28630369). In the heterozygous state, this variant was documented in multiple individuals from one family with adult-onset hypertrophic cardiomyopathy in one study (Cheawsamoot et al. 2020. PubMed ID: 33191771), while this variant was also found in apparently unaffected carriers in another study (Çağlayan et al. 2017. PubMed ID: 28630369), suggesting an increased risk with reduced penetrance in the heterozygous state. This variant is reported in 0.0055% of alleles in individuals of East Asian descent in gnomAD. Frameshift variants in ALPK3 are expected to be pathogenic. This variant is interpreted as pathogenic.

Caglayan Lab, Dokuz Eylul University
Classification: Likely pathogenic for Cardiomyopathy. Last evaluated: 2016-04-01. Review status: no assertion criteria provided. Collection method: research. Allele origin: germline. Inheritance: Autosomal recessive inheritance. Affected: yes. Not counted in ClinVar's aggregate classification.

Literature cited by the submitters: PubMed 21441111 (cited by Labcorp Genetics (formerly Invitae), Labcorp); PubMed 26846950 (cited by Labcorp Genetics (formerly Invitae), Labcorp); PubMed 27106955 (cited by Labcorp Genetics (formerly Invitae), Labcorp); PubMed 34263907 (cited by Labcorp Genetics (formerly Invitae), Labcorp); PubMed 28630369 (cited by 3 submitters); PubMed 33191771 (cited by Labcorp Genetics (formerly Invitae), Labcorp); PubMed 32480058 (cited by Ambry Genetics).

NM_020778.5(ALPK3):c.1417del (p.Gln473fs)

Gene: ALPK3 (alpha kinase 3; plus strand). Cytogenetic location: 15q25.3.
Variant type: Deletion.
Coding change: c.1417del on transcript NM_020778.5 (MANE Select); coding-DNA position 1417, one base deleted (C; older notation c.1417delC).
Protein change: p.Gln473fs; shifts the reading frame from glutamine 473.
Molecular consequence: frameshift variant.
Genome position (GRCh38, 1-based): chr15:84,840,696, C deleted; the last of 6 consecutive C bases (chr15:84,840,691-84,840,696); deleting any one gives the same sequence. VCF-style (leftmost placement, unchanged base first): chr15-84840690-AC-A. GRCh37 (hg19) VCF-style: chr15-85383921-AC-A.
Other names: c.2023delC (NM_020778.4); short protein forms Q473fs.
Identifiers: ClinVar variation 427757 (VCV000427757.12), dbSNP rs769139957, ClinGen allele CA7709182.
Genomic context (GRCh38, chr15:84,840,690, plus strand): 5'-CCCCTCAGGGCTAGAAGCGAGGGGGTGCCTGGCGCTCCTGGCCAGCCCACACACTCCTTG[AC>A]CCCCCAGCCGACTAGGCCTTTCAACAGAAAGAGATTTGCCCCTCCAAAGCCCAAAGGAGA-3'